The following is an entry in ClinVar:

NM_000093.5(COL5A1):c.2759A>G (p.Glu920Gly)

Gene: COL5A1 (collagen type V alpha 1 chain; plus strand). Cytogenetic location: 9q34.3.
Variant type: single nucleotide variant.
Coding change: c.2759A>G on transcript NM_000093.5 (MANE Select); coding-DNA position 2759, A replaced by G.
Protein change: p.Glu920Gly; replaces glutamic acid 920 with glycine.
Molecular consequence: missense variant.
Genome position (GRCh38, 1-based): chr9:134,795,275, A>G. VCF-style: chr9-134795275-A-G. GRCh37 (hg19) VCF-style: chr9-137687121-A-G.
Other names: c.2759A>G, p.Glu920Gly (NM_001278074.1); short protein forms E920G.
Identifiers: ClinVar variation 1795638 (VCV001795638.2), dbSNP rs2490762613, ClinGen allele CA375456576.
Genomic context (GRCh38, chr9:134,795,275, plus strand): 5'-TGTGTGTCGGGACTTGAGCTGACCTTCCTTCTCTCCCATCTGTCCAGGGTCCGAGGGGTG[A>G]AAGAGGCCCCCGGGGCATCACTGGGAAGCCTGGCCCCAAGGTATGTTTTTGGCCTCCTGG-3'
Protein context (NP_000084.3, residues 910-930): GQRGPTGPRG[Glu920Gly]RGPRGITGKP

ClinVar aggregate classification (germline): Uncertain significance (1 of 4 stars; one submission).

Conditions:
Familial thoracic aortic aneurysm and aortic dissection (TAAD). Also called: Thoracic aortic aneurysms and dissections. Identifiers: Orphanet 91387, MedGen C4707243, MONDO:0019625.

Submission:

Ambry Genetics
Classification: Uncertain significance for Familial thoracic aortic aneurysm and aortic dissection. Last evaluated: 2020-09-18. Review status: criteria provided, single submitter. Criteria: Ambry Variant Classification Scheme 2023. Collection method: clinical testing. Allele origin: germline.
Comment: The p.E920G variant (also known as c.2759A>G), located in coding exon 34 of the COL5A1 gene, results from an A to G substitution at nucleotide position 2759. The glutamic acid at codon 920 is replaced by glycine, an amino acid with similar properties. This amino acid position is highly conserved in available vertebrate species. In addition, the in silico prediction for this alteration is inconclusive. Since supporting evidence is limited at this time, the clinical significance of this alteration remains unclear.